The following is an entry in ClinVar:

NM_001312909.2(FAM111A):c.994A>G (p.Thr332Ala)

Genes: FAM111A (FAM111 trypsin like peptidase A; plus strand), LOC130005740 (ATAC-STARR-seq lymphoblastoid active region 4748; plus strand). Cytogenetic location: 11q12.1.
Variant type: single nucleotide variant.
Coding change: c.994A>G on transcript NM_001312909.2 (MANE Select); coding-DNA position 994, A replaced by G.
Protein change: p.Thr332Ala; replaces threonine 332 with alanine.
Molecular consequence: missense variant.
Genome position (GRCh38, 1-based): chr11:59,152,662, A>G. VCF-style: chr11-59152662-A-G. GRCh37 (hg19) VCF-style: chr11-58920135-A-G.
Other names: c.994A>G, p.Thr332Ala (NM_001142519.3, NM_001142520.3, NM_001142521.3 and 29 more transcripts); short protein forms T332A.
Identifiers: ClinVar variation 2870415 (VCV002870415.3), dbSNP rs372887973, ClinGen allele CA6016684.

ClinVar aggregate classification (germline): Uncertain significance (1 of 4 stars; one submission).

Allele frequency attached by ClinVar (database versions not stated): gnomAD exomes below 0.00001; ExAC 0.00001; gnomAD 0.00001; TOPMed 0.00001; ESP Exome Variant Server 0.00008.

Submission:

Labcorp Genetics (formerly Invitae), Labcorp
Classification: Uncertain significance. Last evaluated: 2023-08-11. Review status: criteria provided, single submitter. Criteria: Invitae Variant Classification Sherloc (09022015). Collection method: clinical testing. Allele origin: germline.
Comment: In summary, the available evidence is currently insufficient to determine the role of this variant in disease. Therefore, it has been classified as a Variant of Uncertain Significance. Advanced modeling of protein sequence and biophysical properties (such as structural, functional, and spatial information, amino acid conservation, physicochemical variation, residue mobility, and thermodynamic stability) performed at Invitae indicates that this missense variant is not expected to disrupt FAM111A protein function. This variant has not been reported in the literature in individuals affected with FAM111A-related conditions. This variant is present in population databases (rs372887973, gnomAD 0.0009%). This sequence change replaces threonine, which is neutral and polar, with alanine, which is neutral and non-polar, at codon 332 of the FAM111A protein (p.Thr332Ala).